The following is an entry in ClinVar:

ClinVar aggregate classification (germline): Benign (1 of 4 stars; one submission).

Conditions:
Familial cancer of breast. Also called: hereditary breast carcinoma; Hereditary breast cancer; BREAST CANCER, FAMILIAL. Identifiers: Orphanet 227535, MedGen C0346153, MONDO:0016419, OMIM 114480. Disease mechanism: loss of function.

gnomAD v4.1: 1 of 1,612,216 alleles (0.000062%); highest among the groups gnomAD compares: South Asian, 0.0011%; no homozygotes.

Submission:

Myriad Genetics, Inc.
Classification: Benign for Familial cancer of breast. Last evaluated: 2024-07-18. Review status: criteria provided, single submitter. Criteria: Myriad Autosomal Dominant, Autosomal Recessive and X-Linked Classification Criteria (2023). Collection method: clinical testing. Allele origin: unknown.
Comment: This variant is considered benign. This variant is a silent/synonymous amino acid change and it is not expected to impact splicing.

NM_000465.4(BARD1):c.132G>A (p.Leu44=)

Gene: BARD1 (BRCA1 associated RING domain 1; minus strand). Cytogenetic location: 2q35.
Variant type: single nucleotide variant.
Coding change: c.132G>A on transcript NM_000465.4 (MANE Select); coding-DNA position 132, G replaced by A.
Protein change: p.Leu44=; no amino-acid change (leucine 44 retained).
Molecular consequence: synonymous variant. On other transcripts: non-coding transcript variant (3).
Genome position (GRCh38, 1-based): chr2:214,809,438, C>T on the plus strand (G>A on the coding strand, the complement: BARD1 is on the minus strand). VCF-style: chr2-214809438-C-T. GRCh37 (hg19) VCF-style: chr2-215674162-C-T.
Other names: c.132G>A, p.Leu44= (NM_001282543.2, NM_001282545.2, NM_001282548.2 and 1 more transcripts).
Identifiers: ClinVar variation 3378804 (VCV003378804.1).